The following is an entry in ClinVar:

NM_012431.3(SEMA3E):c.1834del (p.Ile612fs)

Gene: SEMA3E (semaphorin 3E; minus strand). Cytogenetic location: 7q21.11.
Variant type: Deletion.
Coding change: c.1834del on transcript NM_012431.3 (MANE Select); coding-DNA position 1834, one base deleted (A; older notation c.1834delA).
Protein change: p.Ile612fs; shifts the reading frame from isoleucine 612.
Molecular consequence: frameshift variant.
Genome position (GRCh38, 1-based): chr7:83,385,335, T deleted on the plus strand (A on the coding strand, the reverse complement: SEMA3E is on the minus strand). VCF-style (leftmost placement, unchanged base first): chr7-83385334-AT-A. GRCh37 (hg19) VCF-style: chr7-83014650-AT-A.
Other names: c.1654del, p.Ile552fs (NM_001178129.2); short protein forms I612fs, I552fs.
Identifiers: ClinVar variation 2694090 (VCV002694090.3), dbSNP rs2484275299, ClinGen allele CA2683554799.
Genomic context (GRCh38, chr7:83,385,334, plus strand): 5'-AATATGCAGCTATGAATTACCTCCTCTTTTCTTGTCTCACGTCCTTTCTGTACAAACCAG[AT>A]AACTTTCGCTTGTAAAGATCGTGGGGTACATTCCAGCAAAGTACTGTTGTTCTCTATGCC-3'

ClinVar aggregate classification (germline): Uncertain significance (1 of 4 stars; one submission).

Conditions:
CHARGE syndrome (CHARGE). Also called: Hittner Hirsch Kreh syndrome; CHARGE ASSOCIATION--COLOBOMA, HEART ANOMALY, CHOANAL ATRESIA, RETARDATION, GENITAL AND EAR ANOMALIES; Coloboma, heart anomaly, choanal atresia, retardation, genital and ear anomalies; CHARGE association; Hall-Hittner syndrome. Identifiers: Orphanet 138, MedGen C0265354, MONDO:0008965.

Allele frequency attached by ClinVar (database versions not stated): gnomAD exomes below 0.00001.

Submission:

Labcorp Genetics (formerly Invitae), Labcorp
Classification: Uncertain significance for CHARGE syndrome. Last evaluated: 2023-11-07. Review status: criteria provided, single submitter. Criteria: Invitae Variant Classification Sherloc (09022015). Collection method: clinical testing. Allele origin: germline.
Comment: This sequence change creates a premature translational stop signal (p.Ile612Serfs*15) in the SEMA3E gene. While this is not anticipated to result in nonsense mediated decay, it is expected to disrupt the last 164 amino acid(s) of the SEMA3E protein. This variant is not present in population databases (gnomAD no frequency). This variant has not been reported in the literature in individuals affected with SEMA3E-related conditions. In summary, the available evidence is currently insufficient to determine the role of this variant in disease. Therefore, it has been classified as a Variant of Uncertain Significance.